The following is an entry in ClinVar:

NM_001005242.3(PKP2):c.2375C>A (p.Ala792Glu)

Gene: PKP2 (plakophilin 2; minus strand). Cytogenetic location: 12p11.21.
Variant type: single nucleotide variant.
Coding change: c.2375C>A on transcript NM_001005242.3 (MANE Select); coding-DNA position 2375, C replaced by A.
Protein change: p.Ala792Glu; replaces alanine 792 with glutamic acid.
Molecular consequence: missense variant.
Genome position (GRCh38, 1-based): chr12:32,792,714, G>T on the plus strand (C>A on the coding strand, the complement: PKP2 is on the minus strand). VCF-style: chr12-32792714-G-T. GRCh37 (hg19) VCF-style: chr12-32945648-G-T.
Other names: c.2507C>A, p.Ala836Glu (NM_004572.4); c.2507C>A (NM_004572.3); short protein forms A836E, A792E.
Identifiers: ClinVar variation 1036524 (VCV001036524.10), dbSNP rs759322948, ClinGen allele CA035696.

ClinVar aggregate classification (germline): Uncertain significance. Review status: criteria provided, multiple submitters, no conflicts (2 of 4 stars). 3 submissions from 3 submitters: Uncertain significance (3). Last evaluated 2025-06-06.

Conditions:
Arrhythmogenic right ventricular dysplasia 9 (ARVD9). Also called: Arrhythmogenic Right Ventricular Dysplasia/Cardiomyopathy 9; ARRHYTHMOGENIC RIGHT VENTRICULAR DYSPLASIA, FAMILIAL, 9. Identifiers: MedGen C1836906, MONDO:0012180, OMIM 609040.
Cardiovascular phenotype. Identifiers: MedGen CN230736.

Allele frequency attached by ClinVar (database versions not stated): ExAC 0.00001.
gnomAD v4.1: 5 of 1,613,962 alleles (0.00031%); highest among the groups gnomAD compares: South Asian, 0.0055%; no homozygotes.

Submissions (3):

Ambry Genetics
Classification: Uncertain significance for Cardiovascular phenotype. Last evaluated: 2025-06-06. Review status: criteria provided, single submitter. Criteria: Ambry Variant Classification Scheme 2023. Collection method: clinical testing. Allele origin: germline.
Comment: The p.A836E variant (also known as c.2507C>A), located in coding exon 13 of the PKP2 gene, results from a C to A substitution at nucleotide position 2507. The alanine at codon 836 is replaced by glutamic acid, an amino acid with dissimilar properties. This variant has been identified in the homozygous state in individual(s) with features consistent with dilated cardiomyopathy (DCM) (Al-Hassnan ZN et al. Circ Genom Precis Med, 2020 Oct;13:504-514). This amino acid position is highly conserved in available vertebrate species. In addition, the in silico prediction for this alteration is inconclusive. Based on the available evidence, the clinical significance of this variant remains unclear.

Genomic Medicine Center of Excellence, King Faisal Specialist Hospital and Research Centre
Classification: Uncertain significance for Arrhythmogenic right ventricular dysplasia 9. Last evaluated: 2024-09-22. Review status: criteria provided, single submitter. Criteria: ACMG Guidelines, 2015. Collection method: clinical testing. Allele origin: germline.

Labcorp Genetics (formerly Invitae), Labcorp
Classification: Uncertain significance for Arrhythmogenic right ventricular dysplasia 9. Last evaluated: 2020-03-24. Review status: criteria provided, single submitter. Criteria: Invitae Variant Classification Sherloc (09022015). Collection method: clinical testing. Allele origin: germline.
Comment: In summary, the available evidence is currently insufficient to determine the role of this variant in disease. Therefore, it has been classified as a Variant of Uncertain Significance. Algorithms developed to predict the effect of missense changes on protein structure and function are either unavailable or do not agree on the potential impact of this missense change (SIFT: "Deleterious"; PolyPhen-2: "Probably Damaging"; Align-GVGD: "Class C15"). This variant has not been reported in the literature in individuals with PKP2-related conditions. This variant is present in population databases (rs759322948, ExAC 0.006%). This sequence change replaces alanine with glutamic acid at codon 836 of the PKP2 protein (p.Ala836Glu). The alanine residue is highly conserved and there is a moderate physicochemical difference between alanine and glutamic acid.

Literature cited by the submitters: PubMed 32870709 (cited by Ambry Genetics).